The following is an entry in ClinVar:

NM_001244926.2(PRPF4):c.560+3A>G

Gene: PRPF4 (pre-mRNA splicing tri-snRNP complex factor PRPF4; plus strand). Cytogenetic location: 9q32.
Variant type: single nucleotide variant.
Coding change: c.560+3A>G on transcript NM_001244926.2 (MANE Select); 3 bases into the intron after coding-DNA position 560, A replaced by G.
Molecular consequence: intron variant.
Genome position (GRCh38, 1-based): chr9:113,283,214, A>G. VCF-style: chr9-113283214-A-G. GRCh37 (hg19) VCF-style: chr9-116045494-A-G.
Other names: c.-206+3A>G (NM_001322267.2, NM_001322266.2); c.563+3A>G (NM_004697.5).
Identifiers: ClinVar variation 1445045 (VCV001445045.8), dbSNP rs767494057, ClinGen allele CA5194900.

ClinVar aggregate classification (germline): Uncertain significance (1 of 4 stars; one submission).

Allele frequency attached by ClinVar (database versions not stated): gnomAD exomes below 0.00001 and 0.00001; ExAC 0.00001; TOPMed 0.00001.
gnomAD v4.1: 7 of 1,614,224 alleles (0.00043%); highest among the groups gnomAD compares: Non-Finnish European, 0.00059%; no homozygotes.

Submission:

Labcorp Genetics (formerly Invitae), Labcorp
Classification: Uncertain significance. Last evaluated: 2022-07-26. Review status: criteria provided, single submitter. Criteria: Invitae Variant Classification Sherloc (09022015). Collection method: clinical testing. Allele origin: germline.
Comment: This variant has been observed in individual(s) with clinical features of retinitis pigmentosa (Invitae). This variant is present in population databases (rs767494057, gnomAD 0.002%). This sequence change falls in intron 5 of the PRPF4 gene. It does not directly change the encoded amino acid sequence of the PRPF4 protein. It affects a nucleotide within the consensus splice site. ClinVar contains an entry for this variant (Variation ID: 1445045). In summary, the available evidence is currently insufficient to determine the role of this variant in disease. Therefore, it has been classified as a Variant of Uncertain Significance. Variants that disrupt the consensus splice site are a relatively common cause of aberrant splicing (PMID: 17576681, 9536098). Algorithms developed to predict the effect of sequence changes on RNA splicing suggest that this variant may disrupt the consensus splice site.

Literature cited by the submitters: PubMed 17576681; PubMed 9536098.